The following is an entry in ClinVar:

ClinVar aggregate classification (germline): Likely benign. Review status: criteria provided, multiple submitters, no conflicts (2 of 4 stars). 4 submissions from 4 submitters: Likely benign (3). 1 of the submissions does not count toward it. Last evaluated 2025-11-12.

Conditions:
CPAMD8-related disorder. Also called: CPAMD8-related condition.

Allele frequency attached by ClinVar (database versions not stated): ESP Exome Variant Server 0.00033; 1000 Genomes Project 0.00040; TOPMed 0.00047; gnomAD exomes 0.00108 and 0.00167; gnomAD 0.00118 and 0.00123; ExAC 0.00124; 1000 Genomes Project 30x 0.00125.
gnomAD v4.1: 1,658 of 1,542,064 alleles (0.11%); highest among the groups gnomAD compares: South Asian, 0.31%; 7 homozygotes.

Submissions (4):

Labcorp Genetics (formerly Invitae), Labcorp
Classification: Likely benign. Last evaluated: 2025-11-12. Review status: criteria provided, single submitter. Criteria: Invitae Variant Classification Sherloc (09022015). Collection method: clinical testing. Allele origin: germline.

CeGaT Center for Human Genetics Tuebingen
Classification: Likely benign. Last evaluated: 2022-07-01. Review status: criteria provided, single submitter. Criteria: CeGaT Center For Human Genetics Tuebingen Variant Classification Criteria Version 2. Collection method: clinical testing. Allele origin: germline. Affected: yes. Observed: 1 variant allele.
Comment: CPAMD8: BP4

Breakthrough Genomics
Classification: Likely benign. Review status: criteria provided, single submitter. Criteria: ACMG Guidelines, 2015. Collection method: not provided. Allele origin: germline. Inheritance: Autosomal recessive inheritance. Affected: yes.

PreventionGenetics, part of Exact Sciences
Classification: Benign for CPAMD8-related condition. Last evaluated: 2020-02-18. Review status: no assertion criteria provided. Collection method: clinical testing. Allele origin: germline. Not counted in ClinVar's aggregate classification.
Comment: This variant is classified as benign based on ACMG/AMP sequence variant interpretation guidelines (Richards et al. 2015 PMID: 25741868, with internal and published modifications).

NM_015692.5(CPAMD8):c.808G>A (p.Val270Ile)

Gene: CPAMD8 (C3 and PZP like alpha-2-macroglobulin domain containing 8; minus strand). Cytogenetic location: 19p13.11.
Variant type: single nucleotide variant.
Coding change: c.808G>A on transcript NM_015692.5 (MANE Select); coding-DNA position 808, G replaced by A.
Protein change: p.Val270Ile; replaces valine 270 with isoleucine.
Molecular consequence: missense variant.
Genome position (GRCh38, 1-based): chr19:17,000,473, C>T on the plus strand (G>A on the coding strand, the complement: CPAMD8 is on the minus strand). VCF-style: chr19-17000473-C-T. GRCh37 (hg19) VCF-style: chr19-17111283-C-T.
Other names: short protein forms V270I.
Identifiers: ClinVar variation 733857 (VCV000733857.33), dbSNP rs201964890, ClinGen allele CA9285941.